The following is an entry in ClinVar:

ClinVar aggregate classification (germline): Uncertain significance (1 of 4 stars; one submission).

Conditions:
Hereditary nonpolyposis colorectal neoplasms. Identifiers: MedGen C0009405, MeSH D003123.

Allele frequency attached by ClinVar (database versions not stated): TOPMed below 0.00001; gnomAD 0.00001.
gnomAD v4.1: 1 of 1,606,454 alleles (0.000062%); highest among the groups gnomAD compares: Non-Finnish European, 0.000085%; no homozygotes.

Submission:

Labcorp Genetics (formerly Invitae), Labcorp
Classification: Uncertain significance for Hereditary nonpolyposis colorectal neoplasms. Last evaluated: 2021-08-07. Review status: criteria provided, single submitter. Criteria: Invitae Variant Classification Sherloc (09022015). Collection method: clinical testing. Allele origin: germline.
Comment: In summary, the available evidence is currently insufficient to determine the role of this variant in disease. Therefore, it has been classified as a Variant of Uncertain Significance. This sequence change replaces aspartic acid with glycine at codon 662 of the PMS2 protein (p.Asp662Gly). The aspartic acid residue is moderately conserved and there is a moderate physicochemical difference between aspartic acid and glycine. This variant is not present in population databases (ExAC no frequency). This variant has not been reported in the literature in individuals affected with PMS2-related conditions. Advanced modeling of protein sequence and biophysical properties (such as structural, functional, and spatial information, amino acid conservation, physicochemical variation, residue mobility, and thermodynamic stability) performed at Invitae indicates that this missense variant is not expected to disrupt PMS2 protein function. Algorithms developed to predict the effect of sequence changes on RNA splicing suggest that this variant may create or strengthen a splice site.

NM_000535.7(PMS2):c.1985A>G (p.Asp662Gly)

Gene: PMS2 (PMS1 homolog 2, mismatch repair system component; minus strand). Cytogenetic location: 7p22.1.
Variant type: single nucleotide variant.
Coding change: c.1985A>G on transcript NM_000535.7 (MANE Select); coding-DNA position 1985, A replaced by G.
Protein change: p.Asp662Gly; replaces aspartic acid 662 with glycine.
Molecular consequence: missense variant. On other transcripts: non-coding transcript variant (1).
Genome position (GRCh38, 1-based): chr7:5,986,780, T>C on the plus strand (A>G on the coding strand, the complement: PMS2 is on the minus strand). VCF-style: chr7-5986780-T-C. GRCh37 (hg19) VCF-style: chr7-6026411-T-C.
Other names: c.1580A>G, p.Asp527Gly (NM_001322003.2, NM_001322004.2, NM_001322005.2 and 1 more transcripts); c.1829A>G, p.Asp610Gly (NM_001322006.2); c.1667A>G, p.Asp556Gly (NM_001322007.2, NM_001322008.2); c.1424A>G, p.Asp475Gly (NM_001322010.2); c.1052A>G, p.Asp351Gly (NM_001322011.2, NM_001322012.2); c.1412A>G, p.Asp471Gly (NM_001322013.2); c.1985A>G, p.Asp662Gly (NM_001322014.2); c.1676A>G, p.Asp559Gly (NM_001322015.2); short protein forms D471G, D527G, D556G, D351G, D475G, D559G, D610G, D662G.
Identifiers: ClinVar variation 1373187 (VCV001373187.6), dbSNP rs1320079782, ClinGen allele CA366738950.